The following is an entry in ClinVar:

ClinVar aggregate classification (germline): Uncertain significance (1 of 4 stars; one submission).

Conditions:
Charcot-Marie-Tooth disease type 2. Also called: Charcot-Marie-Tooth type 2. Identifiers: Orphanet 64746, MedGen C0270914, MONDO:0018993.

Submission:

Labcorp Genetics (formerly Invitae), Labcorp
Classification: Uncertain significance for Charcot-Marie-Tooth disease type 2. Last evaluated: 2023-12-12. Review status: criteria provided, single submitter. Criteria: Invitae Variant Classification Sherloc (09022015). Collection method: clinical testing. Allele origin: germline.
Comment: This sequence change falls in intron 15 of the GARS gene. It does not directly change the encoded amino acid sequence of the GARS protein. This variant is not present in population databases (gnomAD no frequency). This variant has not been reported in the literature in individuals affected with GARS-related conditions. Algorithms developed to predict the effect of sequence changes on RNA splicing suggest that this variant may disrupt the consensus splice site. In summary, the available evidence is currently insufficient to determine the role of this variant in disease. Therefore, it has been classified as a Variant of Uncertain Significance.

NM_002047.4(GARS1):c.1903+16T>A

Gene: GARS1 (glycyl-tRNA synthetase 1; plus strand). Cytogenetic location: 7p14.3.
Variant type: single nucleotide variant.
Coding change: c.1903+16T>A on transcript NM_002047.4 (MANE Select); 16 bases into the intron after coding-DNA position 1903, T replaced by A.
Molecular consequence: intron variant.
Genome position (GRCh38, 1-based): chr7:30,631,557, T>A. VCF-style: chr7-30631557-T-A. GRCh37 (hg19) VCF-style: chr7-30671173-T-A.
Other names: c.1741+16T>A (NM_001316772.1).
Identifiers: ClinVar variation 2702411 (VCV002702411.3), dbSNP rs1203332360, ClinGen allele CA2697557178.